The following is an entry in ClinVar:

ClinVar aggregate classification (germline): Uncertain significance (1 of 4 stars; one submission).

Conditions:
Chédiak-Higashi syndrome (CHS). Also called: Chediak-Higashi Syndrome. Identifiers: Orphanet 167, MedGen C0007965, MONDO:0008963, OMIM 214500.

Submission:

Labcorp Genetics (formerly Invitae), Labcorp
Classification: Uncertain significance for Chédiak-Higashi syndrome. Last evaluated: 2020-05-15. Review status: criteria provided, single submitter. Criteria: Invitae Variant Classification Sherloc (09022015). Collection method: clinical testing. Allele origin: germline.
Comment: This sequence change replaces alanine with serine at codon 321 of the LYST protein (p.Ala321Ser). The alanine residue is moderately conserved and there is a moderate physicochemical difference between alanine and serine. This variant is not present in population databases (ExAC no frequency). This variant has not been reported in the literature in individuals with LYST-related conditions. Algorithms developed to predict the effect of missense changes on protein structure and function are either unavailable or do not agree on the potential impact of this missense change (SIFT: "Tolerated"; PolyPhen-2: "Probably Damaging"; Align-GVGD: "Class C0"). In summary, the available evidence is currently insufficient to determine the role of this variant in disease. Therefore, it has been classified as a Variant of Uncertain Significance.

NM_000081.4(LYST):c.961G>T (p.Ala321Ser)

Gene: LYST (lysosomal trafficking regulator; minus strand). Cytogenetic location: 1q42.3.
Variant type: single nucleotide variant.
Coding change: c.961G>T on transcript NM_000081.4 (MANE Select); coding-DNA position 961, G replaced by T.
Protein change: p.Ala321Ser; replaces alanine 321 with serine.
Molecular consequence: missense variant.
Genome position (GRCh38, 1-based): chr1:235,809,857, C>A on the plus strand (G>T on the coding strand, the complement: LYST is on the minus strand). VCF-style: chr1-235809857-C-A. GRCh37 (hg19) VCF-style: chr1-235973157-C-A.
Other names: c.961G>T, p.Ala321Ser (NM_001301365.1); short protein forms A321S.
Identifiers: ClinVar variation 1063975 (VCV001063975.8), dbSNP rs1361872807, ClinGen allele CA344963653.